The following is an entry in ClinVar:

ClinVar aggregate classification (germline): Uncertain significance (1 of 4 stars; one submission).

Conditions:
Hyperkalemic periodic paralysis. Also called: Familial hyperkalemic periodic paralysis; Gamstorp disease. Identifiers: Orphanet 682, MedGen C0238357, MONDO:0008224, OMIM 170500, HP:0007215.

Submission:

Labcorp Genetics (formerly Invitae), Labcorp
Classification: Uncertain significance for Hyperkalemic periodic paralysis. Last evaluated: 2025-09-18. Review status: criteria provided, single submitter. Criteria: Invitae Variant Classification Sherloc (09022015). Collection method: clinical testing. Allele origin: germline.
Comment: This sequence change replaces alanine, which is neutral and non-polar, with aspartic acid, which is acidic and polar, at codon 1432 of the SCN4A protein (p.Ala1432Asp). This variant is not present in population databases (gnomAD no frequency). This variant has not been reported in the literature in individuals affected with SCN4A-related conditions. Invitae Evidence Modeling of protein sequence and biophysical properties (such as structural, functional, and spatial information, amino acid conservation, physicochemical variation, residue mobility, and thermodynamic stability) indicates that this missense variant is not expected to disrupt SCN4A protein function with a negative predictive value of 95%. In summary, the available evidence is currently insufficient to determine the role of this variant in disease. Therefore, it has been classified as a Variant of Uncertain Significance.

NM_000334.4(SCN4A):c.4295C>A (p.Ala1432Asp)

Genes: GH-LCR (growth hormone locus control region; plus strand), SCN4A (sodium voltage-gated channel alpha subunit 4; minus strand). Cytogenetic location: 17q23.3.
Variant type: single nucleotide variant.
Coding change: c.4295C>A on transcript NM_000334.4 (MANE Select); coding-DNA position 4295, C replaced by A.
Protein change: p.Ala1432Asp; replaces alanine 1432 with aspartic acid.
Molecular consequence: missense variant.
Genome position (GRCh38, 1-based): chr17:63,941,987, G>T on the plus strand (C>A on the coding strand, the complement: SCN4A is on the minus strand). VCF-style: chr17-63941987-G-T. GRCh37 (hg19) VCF-style: chr17-62019347-G-T.
Other names: short protein forms A1432D.
Identifiers: ClinVar variation 4746990 (VCV004746990.1).